The following is an entry in ClinVar:

ClinVar aggregate classification (germline): Uncertain significance (1 of 4 stars; one submission).

Conditions:
Inborn genetic diseases. Identifiers: MedGen C0950123, MeSH D030342.

Allele frequency attached by ClinVar (database versions not stated): ExAC 0.00001.
gnomAD v4.1: 1 of 1,613,386 alleles (0.000062%); highest among the groups gnomAD compares: South Asian, 0.0011%; no homozygotes.

Submission:

Ambry Genetics
Classification: Uncertain significance for Inborn genetic diseases. Last evaluated: 2022-05-07. Review status: criteria provided, single submitter. Criteria: Ambry Variant Classification Scheme 2023. Collection method: clinical testing. Allele origin: germline.
Comment: The p.D2629N variant (also known as c.7885G>A), located in coding exon 47 of the ATR gene, results from a G to A substitution at nucleotide position 7885. The aspartic acid at codon 2629 is replaced by asparagine, an amino acid with highly similar properties. This amino acid position is conserved. In addition, this alteration is predicted to be tolerated by in silico analysis. Since supporting evidence is limited at this time, the clinical significance of this alteration remains unclear.

NM_001184.4(ATR):c.7885G>A (p.Asp2629Asn)

Gene: ATR (ATR checkpoint kinase; minus strand). Cytogenetic location: 3q23.
Variant type: single nucleotide variant.
Coding change: c.7885G>A on transcript NM_001184.4 (MANE Select); coding-DNA position 7885, G replaced by A.
Protein change: p.Asp2629Asn; replaces aspartic acid 2629 with asparagine.
Molecular consequence: missense variant.
Genome position (GRCh38, 1-based): chr3:142,449,479, C>T on the plus strand (G>A on the coding strand, the complement: ATR is on the minus strand). VCF-style: chr3-142449479-C-T. GRCh37 (hg19) VCF-style: chr3-142168321-C-T.
Other names: c.7693G>A, p.Asp2565Asn (NM_001354579.2); short protein forms D2629N, D2565N.
Identifiers: ClinVar variation 1761017 (VCV001761017.2), dbSNP rs758432141, ClinGen allele CA2649016.
Genomic context (GRCh38, chr3:142,449,479, plus strand): 5'-TAATTTCATTTCACATATATGGAGTCCAACCAAGATACATCTGGCATAGTAAGTTTTCAT[C>T]AGTAGCTTCCTGTATAAGGTAATGCACATGTCCTTCAATAGATAACGGCAGTCCTGTCAC-3'
Protein context (NP_001175.2, residues 2619-2639): HVHYLIQEAT[Asp2629Asn]ENLLCQMYLG